The following is an entry in ClinVar:

ClinVar aggregate classification (germline): Uncertain significance (1 of 4 stars; one submission).

Conditions:
Familial adenomatous polyposis 2. Also called: Adenomas, multiple colorectal; MYH-associated polyposis; COLORECTAL ADENOMATOUS POLYPOSIS, AUTOSOMAL RECESSIVE; ADENOMAS, MULTIPLE COLORECTAL, AUTOSOMAL RECESSIVE; FAP type 2; MUTYH Polyposis. Identifiers: Orphanet 220460, Orphanet 247798, MedGen C3272841, MONDO:0012041, OMIM 608456.

Submission:

Labcorp Genetics (formerly Invitae), Labcorp
Classification: Uncertain significance for Familial adenomatous polyposis 2. Last evaluated: 2021-05-13. Review status: criteria provided, single submitter. Criteria: Invitae Variant Classification Sherloc (09022015). Collection method: clinical testing. Allele origin: germline.
Comment: In summary, the available evidence is currently insufficient to determine the role of this variant in disease. Therefore, it has been classified as a Variant of Uncertain Significance. Algorithms developed to predict the effect of missense changes on protein structure and function (SIFT, PolyPhen-2, Align-GVGD) all suggest that this variant is likely to be disruptive, but these predictions have not been confirmed by published functional studies and their clinical significance is uncertain. This variant has not been reported in the literature in individuals with MUTYH-related conditions. This variant is not present in population databases (ExAC no frequency). This sequence change replaces leucine with arginine at codon 262 of the MUTYH protein (p.Leu262Arg). The leucine residue is highly conserved and there is a moderate physicochemical difference between leucine and arginine.

NM_001048174.2(MUTYH):c.701T>G (p.Leu234Arg)

Gene: MUTYH (mutY DNA glycosylase; minus strand). Cytogenetic location: 1p34.1.
Variant type: single nucleotide variant.
Coding change: c.701T>G on transcript NM_001048174.2 (MANE Select); coding-DNA position 701, T replaced by G.
Protein change: p.Leu234Arg; replaces leucine 234 with arginine.
Molecular consequence: missense variant. On other transcripts: non-coding transcript variant (2).
Genome position (GRCh38, 1-based): chr1:45,332,394, A>C on the plus strand (T>G on the coding strand, the complement: MUTYH is on the minus strand). VCF-style: chr1-45332394-A-C. GRCh37 (hg19) VCF-style: chr1-45798066-A-C.
Other names: c.701T>G, p.Leu234Arg (NM_001048171.2, NM_001048173.2, NM_001293195.2); c.704T>G, p.Leu235Arg (NM_001048172.2); c.785T>G, p.Leu262Arg (NM_001128425.2); c.746T>G, p.Leu249Arg (NM_001293190.2); c.734T>G, p.Leu245Arg (NM_001293191.2); c.425T>G, p.Leu142Arg (NM_001293192.2, NM_001293196.2); c.356T>G, p.Leu119Arg (NM_001350650.2, NM_001350651.2); c.776T>G, p.Leu259Arg (NM_012222.3); short protein forms L235R, L249R, L262R, L142R, L234R, L119R, L245R, L259R.
Identifiers: ClinVar variation 1395012 (VCV001395012.8), dbSNP rs2149142810, ClinGen allele CA340134750.
Genomic context (GRCh38, chr1:45,332,394, plus strand): 5'-GAAGCAGAGCTCCTTTGCAGACACCCCTGAAGCACCCTTGTTACCCCAACATCCTACCAG[A>C]GCTGCTGGGAAACAAGGGTGCTGCTGGGATCAGCACCAATGGCTCGGACACGGCACAGCA-3'
Protein context (NP_001041639.1, residues 224-244): DPSSTLVSQQ[Leu234Arg]WGLAQQLVDP